The following is an entry in ClinVar:

NM_006059.4(LAMC3):c.2636C>T (p.Pro879Leu)

Gene: LAMC3 (laminin subunit gamma 3; plus strand). Cytogenetic location: 9q34.12.
Variant type: single nucleotide variant.
Coding change: c.2636C>T on transcript NM_006059.4 (MANE Select); coding-DNA position 2636, C replaced by T.
Protein change: p.Pro879Leu; replaces proline 879 with leucine.
Molecular consequence: missense variant.
Genome position (GRCh38, 1-based): chr9:131,068,120, C>T. VCF-style: chr9-131068120-C-T. GRCh37 (hg19) VCF-style: chr9-133943507-C-T.
Other names: c.2636C>T (NM_006059.3); short protein forms P879L.
Identifiers: ClinVar variation 1939053 (VCV001939053.3), dbSNP rs746978377, ClinGen allele CA5287518.
Genomic context (GRCh38, chr9:131,068,120, plus strand): 5'-TCCTGCTCCTGCCCCCAGCTTGCAGCTGTCACCCACAGGGCTCGGTCAGTGAGCAGATGC[C>T]CTGCGACCCAGTGACAGGCCAATGCTCCTGCCTGCCTCATGTGACTGCACGGGACTGCAG-3'
Protein context (NP_006050.3, residues 869-889): HPQGSVSEQM[Pro879Leu]CDPVTGQCSC

ClinVar aggregate classification (germline): Uncertain significance. Review status: criteria provided, multiple submitters, no conflicts (2 of 4 stars). 2 submissions from 2 submitters: Uncertain significance (2). Last evaluated 2025-02-08.

Conditions:
Inborn genetic diseases. Identifiers: MedGen C0950123, MeSH D030342.

Allele frequency attached by ClinVar (database versions not stated): gnomAD 0.00001; gnomAD exomes 0.00002; ExAC 0.00007.
gnomAD v4.1: 35 of 1,612,826 alleles (0.0022%); highest among the groups gnomAD compares: South Asian, 0.036%; 1 homozygote.

Submissions (2):

Ambry Genetics
Classification: Uncertain significance for Inborn genetic diseases. Last evaluated: 2025-02-08. Review status: criteria provided, single submitter. Criteria: Ambry Variant Classification Scheme 2023. Collection method: clinical testing. Allele origin: germline.

Labcorp Genetics (formerly Invitae), Labcorp
Classification: Uncertain significance. Last evaluated: 2022-06-15. Review status: criteria provided, single submitter. Criteria: Invitae Variant Classification Sherloc (09022015). Collection method: clinical testing. Allele origin: germline.
Comment: This sequence change replaces proline, which is neutral and non-polar, with leucine, which is neutral and non-polar, at codon 879 of the LAMC3 protein (p.Pro879Leu). This variant is present in population databases (rs746978377, gnomAD 0.03%), including at least one homozygous and/or hemizygous individual. This variant has not been reported in the literature in individuals affected with LAMC3-related conditions. Algorithms developed to predict the effect of missense changes on protein structure and function (SIFT, PolyPhen-2, Align-GVGD) all suggest that this variant is likely to be tolerated. In summary, the available evidence is currently insufficient to determine the role of this variant in disease. Therefore, it has been classified as a Variant of Uncertain Significance.